The following is an entry in ClinVar:

ClinVar aggregate classification (germline): Uncertain significance. Review status: criteria provided, multiple submitters, no conflicts (2 of 4 stars). 2 submissions from 2 submitters: Uncertain significance (2). Last evaluated 2025-08-07.

Conditions:
Hereditary cancer-predisposing syndrome. Also called: Hereditary neoplastic syndrome; Neoplastic Syndromes, Hereditary; Tumor predisposition; Hereditary Cancer Syndrome. Identifiers: Orphanet 140162, MedGen C0027672, MeSH D009386, MONDO:0015356.

Allele frequency attached by ClinVar (database versions not stated): gnomAD exomes below 0.00001.
gnomAD v4.1: 1 of 1,614,158 alleles (0.000062%); highest among the groups gnomAD compares: South Asian, 0.0011%; no homozygotes.

Submissions (2):

Labcorp Genetics (formerly Invitae), Labcorp
Classification: Uncertain significance. Last evaluated: 2025-08-07. Review status: criteria provided, single submitter. Criteria: Invitae Variant Classification Sherloc (09022015). Collection method: clinical testing. Allele origin: germline.
Comment: This sequence change replaces histidine, which is basic and polar, with tyrosine, which is neutral and polar, at codon 1838 of the POLE protein (p.His1838Tyr). This variant is not present in population databases (gnomAD no frequency). This variant has not been reported in the literature in individuals affected with POLE-related conditions. ClinVar contains an entry for this variant (Variation ID: 1509196). Invitae Evidence Modeling of protein sequence and biophysical properties (such as structural, functional, and spatial information, amino acid conservation, physicochemical variation, residue mobility, and thermodynamic stability) indicates that this missense variant is not expected to disrupt POLE protein function with a negative predictive value of 80%. In summary, the available evidence is currently insufficient to determine the role of this variant in disease. Therefore, it has been classified as a Variant of Uncertain Significance.

Ambry Genetics
Classification: Uncertain significance for Hereditary cancer-predisposing syndrome. Last evaluated: 2023-03-22. Review status: criteria provided, single submitter. Criteria: Ambry Variant Classification Scheme 2023. Collection method: clinical testing. Allele origin: germline.
Comment: The p.H1838Y variant (also known as c.5512C>T), located in coding exon 40 of the POLE gene, results from a C to T substitution at nucleotide position 5512. The histidine at codon 1838 is replaced by tyrosine, an amino acid with similar properties. This amino acid position is conserved. In addition, the in silico prediction for this alteration is inconclusive. Since supporting evidence is limited at this time, the clinical significance of this alteration remains unclear.

NM_006231.4(POLE):c.5512C>T (p.His1838Tyr)

Gene: POLE (DNA polymerase epsilon, catalytic subunit; minus strand). Cytogenetic location: 12q24.33.
Variant type: single nucleotide variant.
Coding change: c.5512C>T on transcript NM_006231.4 (MANE Select); coding-DNA position 5512, C replaced by T.
Protein change: p.His1838Tyr; replaces histidine 1838 with tyrosine.
Molecular consequence: missense variant.
Genome position (GRCh38, 1-based): chr12:132,639,165, G>A on the plus strand (C>T on the coding strand, the complement: POLE is on the minus strand). VCF-style: chr12-132639165-G-A. GRCh37 (hg19) VCF-style: chr12-133215751-G-A.
Other names: c.5512C>T (NM_006231.2); short protein forms H1838Y.
Identifiers: ClinVar variation 1509196 (VCV001509196.9), dbSNP rs2138508846, ClinGen allele CA387374615.